The following is an entry in ClinVar:

NM_001378183.1(PIEZO2):c.2641G>A (p.Val881Met)

Gene: PIEZO2 (piezo type mechanosensitive ion channel component 2; minus strand). Cytogenetic location: 18p11.22.
Variant type: single nucleotide variant.
Coding change: c.2641G>A on transcript NM_001378183.1 (MANE Select); coding-DNA position 2641, G replaced by A.
Protein change: p.Val881Met; replaces valine 881 with methionine.
Molecular consequence: missense variant.
Genome position (GRCh38, 1-based): chr18:10,773,556, C>T on the plus strand (G>A on the coding strand, the complement: PIEZO2 is on the minus strand). VCF-style: chr18-10773556-C-T. GRCh37 (hg19) VCF-style: chr18-10773554-C-T.
Other names: c.2566G>A, p.Val856Met (NM_022068.4); short protein forms V881M, V856M.
Identifiers: ClinVar variation 1489965 (VCV001489965.8), dbSNP rs1037318951, ClinGen allele CA295993702.

ClinVar aggregate classification (germline): Uncertain significance (1 of 4 stars; one submission).

Allele frequency attached by ClinVar (database versions not stated): gnomAD 0.00001; gnomAD exomes 0.00001; TOPMed 0.00002.
gnomAD v4.1: 13 of 1,537,366 alleles (0.00085%); highest among the groups gnomAD compares: Non-Finnish European, 0.0011%; no homozygotes.

Submission:

Labcorp Genetics (formerly Invitae), Labcorp
Classification: Uncertain significance. Last evaluated: 2025-09-02. Review status: criteria provided, single submitter. Criteria: Invitae Variant Classification Sherloc (09022015). Collection method: clinical testing. Allele origin: germline.
Comment: This sequence change replaces valine, which is neutral and non-polar, with methionine, which is neutral and non-polar, at codon 856 of the PIEZO2 protein (p.Val856Met). This variant is present in population databases (no rsID available, gnomAD 0.004%). This variant has not been reported in the literature in individuals affected with PIEZO2-related conditions. ClinVar contains an entry for this variant (Variation ID: 1489965). Invitae Evidence Modeling of protein sequence and biophysical properties (such as structural, functional, and spatial information, amino acid conservation, physicochemical variation, residue mobility, and thermodynamic stability) indicates that this missense variant is not expected to disrupt PIEZO2 protein function with a negative predictive value of 95%. In summary, the available evidence is currently insufficient to determine the role of this variant in disease. Therefore, it has been classified as a Variant of Uncertain Significance.